The following is an entry in ClinVar:

ClinVar aggregate classification (germline): Uncertain significance (1 of 4 stars; one submission).

Conditions:
Inborn genetic diseases. Identifiers: MedGen C0950123, MeSH D030342.

Submission:

Ambry Genetics
Classification: Uncertain significance for Inborn genetic diseases. Last evaluated: 2025-05-24. Review status: criteria provided, single submitter. Criteria: Ambry Variant Classification Scheme 2023. Collection method: clinical testing. Allele origin: germline.
Comment: The p.A532T variant (also known as c.1594G>A), located in coding exon 15 of the DDX41 gene, results from a G to A substitution at nucleotide position 1594. The alanine at codon 532 is replaced by threonine, an amino acid with similar properties. This amino acid position is conserved. In addition, this alteration is predicted to be deleterious by in silico analysis. Based on the available evidence, the clinical significance of this variant remains unclear.

NM_016222.4(DDX41):c.1594G>A (p.Ala532Thr)

Gene: DDX41 (DEAD-box helicase 41; minus strand). Cytogenetic location: 5q35.3.
Variant type: single nucleotide variant.
Coding change: c.1594G>A on transcript NM_016222.4 (MANE Select); coding-DNA position 1594, G replaced by A.
Protein change: p.Ala532Thr; replaces alanine 532 with threonine.
Molecular consequence: missense variant.
Genome position (GRCh38, 1-based): chr5:177,512,349, C>T on the plus strand (G>A on the coding strand, the complement: DDX41 is on the minus strand). VCF-style: chr5-177512349-C-T. GRCh37 (hg19) VCF-style: chr5-176939350-C-T.
Other names: c.1216G>A, p.Ala406Thr (NM_001321732.2, NM_001321830.2); short protein forms A406T, A532T.
Identifiers: ClinVar variation 4010366 (VCV004010366.1).